The following is an entry in ClinVar:

ClinVar aggregate classification (germline): Uncertain significance (3 of 4 stars; one submission).

Conditions:
Glanzmann thrombasthenia. Also called: THROMBASTHENIA OF GLANZMANN AND NAEGELI; BLEEDING DISORDER, PLATELET-TYPE, 2; Thrombasthenia; PLATELET GLYCOPROTEIN IIb-IIIa DEFICIENCY; Glanzmann's thrombasthenia. Identifiers: Orphanet 849, MedGen C0040015, MONDO:0100326.

Submission:

ClinGen Platelet Disorders Variant Curation Expert Panel, ClinGen
Classification: Uncertain significance for Glanzmann thrombasthenia. Last evaluated: 2024-10-15. Review status: reviewed by expert panel. Criteria: ClinGen Platelet ACMG Specifications v2-1. Collection method: curation. Allele origin: germline. Inheritance: Autosomal recessive inheritance.
Comment: The NM_000419.5(ITGA2B):c.3062T>C (p.Val1021Ala) missense variant has been reported in at least two Glanzmann thrombasthenia patients (PMID: 21113249). Patient SB displayed mucocutaneous bleeding and impaired aggregation with all agonists except ristocetin, which is highly specific for Glanzmann thrombasthenia. Additionally, αIIbβ3 surface expression was reduced to 23%, as measured by flow cytometry, and there was 12-13% binding to PAC-1. ITGA2B and ITGB3 were sequenced across all exons and intron/exon boundaries (PP4_strong; PMID: 21113249). Patient LN is homozygous for c.3062T>C (PM3_supporting; PMID: 21113249). This variant is absent from gnomAD v4.1 (PM2_Supporting). The computational predictor REVEL gives a score of 0.084, which is below the ClinGen PD VCEP threshold of <0.25 and predicts no damaging effect on ITGA2 function (BP4). In summary, this variant meets the criteria to be classified as Uncertain significance for autosomal recessive Glanzmann Thrombasthenia based on the ACMG/AMP criteria applied, as specified by the ClinGen PD VCEP: PP4_strong, PM2_supporting, PM3_supporting, and BP4. (VCEP specifications version 2).

NM_000419.5(ITGA2B):c.3062T>C (p.Val1021Ala)

Gene: ITGA2B (integrin subunit alpha 2b; minus strand). Cytogenetic location: 17q21.31.
Variant type: single nucleotide variant.
Coding change: c.3062T>C on transcript NM_000419.5 (MANE Select); coding-DNA position 3062, T replaced by C.
Protein change: p.Val1021Ala; replaces valine 1021 with alanine.
Molecular consequence: missense variant.
Genome position (GRCh38, 1-based): chr17:44,372,422, A>G on the plus strand (T>C on the coding strand, the complement: ITGA2B is on the minus strand). VCF-style: chr17-44372422-A-G. GRCh37 (hg19) VCF-style: chr17-42449790-A-G.
Other names: NM_000419.5:c.3062T>C; short protein forms V1021A.
Identifiers: ClinVar variation 1330348 (VCV001330348.2), dbSNP rs2143417795, ClinGen allele CA399787956.